The following is an entry in ClinVar:

NM_020778.5(ALPK3):c.524A>C (p.Tyr175Ser)

Gene: ALPK3 (alpha kinase 3; plus strand). Cytogenetic location: 15q25.3.
Variant type: single nucleotide variant.
Coding change: c.524A>C on transcript NM_020778.5 (MANE Select); coding-DNA position 524, A replaced by C.
Protein change: p.Tyr175Ser; replaces tyrosine 175 with serine.
Molecular consequence: missense variant.
Genome position (GRCh38, 1-based): chr15:84,839,803, A>C. VCF-style: chr15-84839803-A-C. GRCh37 (hg19) VCF-style: chr15-85383034-A-C.
Other names: short protein forms Y175S.
Identifiers: ClinVar variation 1728114 (VCV001728114.7), dbSNP rs753599829, ClinGen allele CA7708992.

ClinVar aggregate classification (germline): Uncertain significance. Review status: criteria provided, multiple submitters, no conflicts (2 of 4 stars). 2 submissions from 2 submitters: Uncertain significance (2). Last evaluated 2023-12-30.

Conditions:
Cardiovascular phenotype. Identifiers: MedGen CN230736.

Allele frequency attached by ClinVar (database versions not stated): ExAC 0.00001; gnomAD 0.00001; gnomAD exomes 0.00001; TOPMed 0.00001.
gnomAD v4.1: 16 of 1,613,994 alleles (0.00099%); highest among the groups gnomAD compares: Non-Finnish European, 0.0014%; no homozygotes.

Submissions (2):

Ambry Genetics
Classification: Uncertain significance for Cardiovascular phenotype. Last evaluated: 2023-12-30. Review status: criteria provided, single submitter. Criteria: Ambry Variant Classification Scheme 2023. Collection method: clinical testing. Allele origin: germline.
Comment: The p.Y377S variant (also known as c.1130A>C), located in coding exon 5 of the ALPK3 gene, results from an A to C substitution at nucleotide position 1130. The tyrosine at codon 377 is replaced by serine, an amino acid with dissimilar properties. This amino acid position is not well conserved in available vertebrate species. In addition, the in silico prediction for this alteration is inconclusive. Since supporting evidence is limited at this time, the clinical significance of this alteration remains unclear.

Labcorp Genetics (formerly Invitae), Labcorp
Classification: Uncertain significance. Last evaluated: 2023-09-30. Review status: criteria provided, single submitter. Criteria: Invitae Variant Classification Sherloc (09022015). Collection method: clinical testing. Allele origin: germline.
Comment: This variant has not been reported in the literature in individuals affected with ALPK3-related conditions. This variant is present in population databases (rs753599829, gnomAD 0.003%). This sequence change replaces tyrosine, which is neutral and polar, with serine, which is neutral and polar, at codon 377 of the ALPK3 protein (p.Tyr377Ser). ClinVar contains an entry for this variant (Variation ID: 1728114). In summary, the available evidence is currently insufficient to determine the role of this variant in disease. Therefore, it has been classified as a Variant of Uncertain Significance. An algorithm developed to predict the effect of missense changes on protein structure and function (PolyPhen-2) suggests that this variant is likely to be disruptive.